The following is an entry in ClinVar:

NM_153026.3(PRICKLE1):c.1165A>G (p.Ser389Gly)

Genes: PRICKLE1 (prickle planar cell polarity protein 1; minus strand), LOC126861509 (BRD4-independent group 4 enhancer GRCh37_chr12:42858567-42859766; plus strand). Cytogenetic location: 12q12.
Variant type: single nucleotide variant.
Coding change: c.1165A>G on transcript NM_153026.3 (MANE Select); coding-DNA position 1165, A replaced by G.
Protein change: p.Ser389Gly; replaces serine 389 with glycine.
Molecular consequence: missense variant.
Genome position (GRCh38, 1-based): chr12:42,464,869, T>C on the plus strand (A>G on the coding strand, the complement: PRICKLE1 is on the minus strand). VCF-style: chr12-42464869-T-C. GRCh37 (hg19) VCF-style: chr12-42858671-T-C.
Other names: c.1165A>G, p.Ser389Gly (NM_001144881.2, NM_001144882.2, NM_001144883.2); short protein forms S389G.
Identifiers: ClinVar variation 937910 (VCV000937910.10), dbSNP rs1466958238, ClinGen allele CA384442328.

ClinVar aggregate classification (germline): Uncertain significance (1 of 4 stars; one submission).

Conditions:
Epilepsy, progressive myoclonic, 1B. Also called: PME. Identifiers: Orphanet 308, MedGen C2676254, MONDO:0012904, OMIM 612437.

Allele frequency attached by ClinVar (database versions not stated): gnomAD exomes below 0.00001; TOPMed below 0.00001; gnomAD 0.00001.
gnomAD v4.1: 3 of 1,614,058 alleles (0.00019%); highest among the groups gnomAD compares: Non-Finnish European, 0.00025%; no homozygotes.

Submission:

Labcorp Genetics (formerly Invitae), Labcorp
Classification: Uncertain significance for Epilepsy, progressive myoclonic, 1B. Last evaluated: 2019-07-20. Review status: criteria provided, single submitter. Criteria: Invitae Variant Classification Sherloc (09022015). Collection method: clinical testing. Allele origin: germline.
Comment: In summary, the available evidence is currently insufficient to determine the role of this variant in disease. Therefore, it has been classified as a Variant of Uncertain Significance. Algorithms developed to predict the effect of missense changes on protein structure and function output the following: SIFT: "Tolerated"; PolyPhen-2: "Benign"; Align-GVGD: "Class C0". The glycine amino acid residue is found in multiple mammalian species, suggesting that this missense change does not adversely affect protein function. These predictions have not been confirmed by published functional studies and their clinical significance is uncertain. This variant has not been reported in the literature in individuals with PRICKLE1-related conditions. This variant is not present in population databases (ExAC no frequency). This sequence change replaces serine with glycine at codon 389 of the PRICKLE1 protein (p.Ser389Gly). The serine residue is weakly conserved and there is a small physicochemical difference between serine and glycine.